The following is an entry in ClinVar:

ClinVar aggregate classification (germline): Uncertain significance (1 of 4 stars; one submission).

Conditions:
Spastic paraplegia. Identifiers: MedGen C0037772, HP:0001258.

Submission:

Labcorp Genetics (formerly Invitae), Labcorp
Classification: Uncertain significance for Spastic paraplegia. Last evaluated: 2021-09-23. Review status: criteria provided, single submitter. Criteria: Invitae Variant Classification Sherloc (09022015). Collection method: clinical testing. Allele origin: germline.
Comment: This sequence change replaces leucine with histidine at codon 514 of the KIF5A protein (p.Leu514His). The leucine residue is moderately conserved and there is a moderate physicochemical difference between leucine and histidine. This variant is not present in population databases (ExAC no frequency). This variant has not been reported in the literature in individuals affected with KIF5A-related conditions. Advanced modeling of protein sequence and biophysical properties (such as structural, functional, and spatial information, amino acid conservation, physicochemical variation, residue mobility, and thermodynamic stability) performed at Invitae indicates that this missense variant is not expected to disrupt KIF5A protein function. In summary, the available evidence is currently insufficient to determine the role of this variant in disease. Therefore, it has been classified as a Variant of Uncertain Significance.

NM_004984.4(KIF5A):c.1541T>A (p.Leu514His)

Gene: KIF5A (kinesin family member 5A; plus strand). Cytogenetic location: 12q13.3.
Variant type: single nucleotide variant.
Coding change: c.1541T>A on transcript NM_004984.4 (MANE Select); coding-DNA position 1541, T replaced by A.
Protein change: p.Leu514His; replaces leucine 514 with histidine.
Molecular consequence: missense variant.
Genome position (GRCh38, 1-based): chr12:57,572,239, T>A. VCF-style: chr12-57572239-T-A. GRCh37 (hg19) VCF-style: chr12-57966022-T-A.
Other names: c.1274T>A, p.Leu425His (NM_001354705.2); short protein forms L425H, L514H.
Identifiers: ClinVar variation 1477020 (VCV001477020.6), dbSNP rs2140165294, ClinGen allele CA385507254.